The following is an entry in ClinVar:

ClinVar aggregate classification (germline): Uncertain significance (1 of 4 stars; one submission).

Submission:

Women's Health and Genetics/Laboratory Corporation of America, LabCorp
Classification: Uncertain significance. Last evaluated: 2024-12-05. Review status: criteria provided, single submitter. Criteria: LabCorp Variant Classification Summary - May 2015. Collection method: clinical testing. Allele origin: germline.
Comment: Variant summary: CARS2 c.896G>A (p.Trp299X) results in a premature termination codon, predicted to cause a truncation of the encoded protein or absence of the protein due to nonsense mediated decay, however current evidence is not sufficient to establish loss of function as a mechanism for disease. The variant was absent in 249418 control chromosomes. The available data on variant occurrences in the general population are insufficient to allow any conclusion about variant significance. To our knowledge, no occurrence of c.896G>A in individuals affected with Combined Oxidative Phosphorylation Defect Type 27 and no experimental evidence demonstrating its impact on protein function have been reported. No submitters have cited clinical-significance assessments for this variant to ClinVar. Based on the evidence outlined above, the variant was classified as uncertain significance.

NM_024537.4(CARS2):c.896G>A (p.Trp299Ter)

Gene: CARS2 (cysteinyl-tRNA synthetase 2, mitochondrial; minus strand). Cytogenetic location: 13q34.
Variant type: single nucleotide variant.
Coding change: c.896G>A on transcript NM_024537.4 (MANE Select); coding-DNA position 896, G replaced by A.
Protein change: p.Trp299Ter; replaces tryptophan 299 with a stop codon.
Molecular consequence: nonsense. On other transcripts: non-coding transcript variant (2).
Genome position (GRCh38, 1-based): chr13:110,667,363, C>T on the plus strand (G>A on the coding strand, the complement: CARS2 is on the minus strand). VCF-style: chr13-110667363-C-T. GRCh37 (hg19) VCF-style: chr13-111319710-C-T.
Other names: c.110G>A, p.Trp37Ter (NM_001352252.2); c.896G>A, p.Trp299Ter (NM_001352253.3); short protein forms W299*, W37*.
Identifiers: ClinVar variation 3768251 (VCV003768251.1).